The following is an entry in ClinVar:

ClinVar aggregate classification (germline): Likely benign. Review status: criteria provided, multiple submitters, no conflicts (2 of 4 stars). 3 submissions from 3 submitters: Likely benign (2). 1 of the submissions does not count toward it. Last evaluated 2025-05-13.

Conditions:
ACADS-related disorder. Also called: ACADS-related condition.
Deficiency of butyryl-CoA dehydrogenase (ACADSD). Also called: SCAD DEFICIENCY, MILD; ACYL-CoA DEHYDROGENASE, SHORT-CHAIN, DEFICIENCY OF; SCADH DEFICIENCY; SCAD Deficiency; ACADS DEFICIENCY; Short-Chain Acyl-CoA Dehydrogenase Deficiency. Identifiers: Orphanet 26792, MedGen C0342783, MONDO:0008722, OMIM 201470. Disease mechanism: May be benign.

Allele frequency attached by ClinVar (database versions not stated): TOPMed 0.00010; ExAC 0.00016; gnomAD 0.00017; ESP Exome Variant Server 0.00031; 1000 Genomes Project 0.00100; 1000 Genomes Project 30x 0.00109.
gnomAD v4.1: 226 of 1,610,790 alleles (0.014%); highest among the groups gnomAD compares: African/African-American, 0.019%; no homozygotes.

Submissions (3):

Labcorp Genetics (formerly Invitae), Labcorp
Classification: Likely benign for Deficiency of butyryl-CoA dehydrogenase. Last evaluated: 2025-05-13. Review status: criteria provided, single submitter. Criteria: Invitae Variant Classification Sherloc (09022015). Collection method: clinical testing. Allele origin: germline.

CeGaT Center for Human Genetics Tuebingen
Classification: Likely benign. Last evaluated: 2022-10-01. Review status: criteria provided, single submitter. Criteria: CeGaT Center For Human Genetics Tuebingen Variant Classification Criteria Version 2. Collection method: clinical testing. Allele origin: germline. Affected: yes. Observed: 1 variant allele.
Comment: ACADS: BP4, BP7

PreventionGenetics, part of Exact Sciences
Classification: Likely benign for ACADS-related condition. Last evaluated: 2019-03-28. Review status: no assertion criteria provided. Collection method: clinical testing. Allele origin: germline. Not counted in ClinVar's aggregate classification.
Comment: This variant is classified as likely benign based on ACMG/AMP sequence variant interpretation guidelines (Richards et al. 2015 PMID: 25741868, with internal and published modifications).

NM_000017.4(ACADS):c.249C>T (p.Asp83=)

Gene: ACADS (acyl-CoA dehydrogenase short chain; plus strand). Cytogenetic location: 12q24.31.
Variant type: single nucleotide variant.
Coding change: c.249C>T on transcript NM_000017.4 (MANE Select); coding-DNA position 249, C replaced by T.
Protein change: p.Asp83=; no amino-acid change (aspartic acid 83 retained).
Molecular consequence: synonymous variant.
Genome position (GRCh38, 1-based): chr12:120,737,024, C>T. VCF-style: chr12-120737024-C-T. GRCh37 (hg19) VCF-style: chr12-121174827-C-T.
Other names: c.249C>T (NM_000017.3); c.249C>T, p.Asp83= (NM_001302554.2).
Identifiers: ClinVar variation 2198914 (VCV002198914.29), dbSNP rs150507331, ClinGen allele CA6830803.